The following is an entry in ClinVar:

ClinVar aggregate classification (germline): Uncertain significance (1 of 4 stars; one submission).

gnomAD v4.1: 30 of 1,614,018 alleles (0.0019%); highest among the groups gnomAD compares: Admixed American, 0.0083%; no homozygotes.

Submission:

Women's Health and Genetics/Laboratory Corporation of America, LabCorp
Classification: Uncertain significance. Last evaluated: 2025-03-12. Review status: criteria provided, single submitter. Criteria: LabCorp Variant Classification Summary - May 2015. Collection method: clinical testing. Allele origin: germline.
Comment: Variant summary: HECW2 c.3197A>G (p.Asn1066Ser) results in a conservative amino acid change in the encoded protein sequence. Four of five in-silico tools predict a benign effect of the variant on protein function. The variant allele was found at a frequency of 1.2e-05 in 251378 control chromosomes. The available data on variant occurrences in the general population are insufficient to allow any conclusion about variant significance. To our knowledge, no occurrence of c.3197A>G in individuals affected with Neurodevelopmental Disorder With Hypotonia, Seizures, And Absent Language and no experimental evidence demonstrating its impact on protein function have been reported. No submitters have cited clinical-significance assessments for this variant to ClinVar. Based on the evidence outlined above, the variant was classified as uncertain significance.

NM_001348768.2(HECW2):c.3197A>G (p.Asn1066Ser)

Gene: HECW2 (HECT, C2 and WW domain containing E3 ubiquitin protein ligase 2; minus strand). Cytogenetic location: 2q32.3.
Variant type: single nucleotide variant.
Coding change: c.3197A>G on transcript NM_001348768.2 (MANE Select); coding-DNA position 3197, A replaced by G.
Protein change: p.Asn1066Ser; replaces asparagine 1066 with serine.
Molecular consequence: missense variant.
Genome position (GRCh38, 1-based): chr2:196,274,062, T>C on the plus strand (A>G on the coding strand, the complement: HECW2 is on the minus strand). VCF-style: chr2-196274062-T-C. GRCh37 (hg19) VCF-style: chr2-197138786-T-C.
Other names: c.2129A>G, p.Asn710Ser (NM_001304840.3); c.3197A>G, p.Asn1066Ser (NM_020760.4); short protein forms N1066S, N710S.
Identifiers: ClinVar variation 3895693 (VCV003895693.1).